The following is an entry in ClinVar:

ClinVar aggregate classification (germline): Benign/Likely benign. Review status: criteria provided, multiple submitters, no conflicts (2 of 4 stars). 6 submissions from 6 submitters: Benign (2); Likely benign (3). 1 of the submissions does not count toward it. Last evaluated 2025-11-05.

Conditions:
Inborn genetic diseases. Identifiers: MedGen C0950123, MeSH D030342.
BICD2-related disorder. Also called: BICD2-related condition.
Autosomal dominant childhood-onset proximal spinal muscular atrophy with contractures (SMALED2A). Also called: Spinal muscular atrophy, lower extremity-predominant, 2A, autosomal dominant; SPINAL MUSCULAR ATROPHY, LOWER EXTREMITY-PREDOMINANT, 2A, CHILDHOOD ONSET, AUTOSOMAL DOMINANT. Identifiers: Orphanet 363447, Orphanet 363454, MedGen C4747715, MONDO:0014121, OMIM 615290.

Allele frequency attached by ClinVar (database versions not stated): gnomAD 0.00007 and 0.00008; gnomAD exomes 0.00010 and 0.00038; ESP Exome Variant Server 0.00015; TOPMed 0.00020; ExAC 0.00046.
gnomAD v4.1: 159 of 1,612,478 alleles (0.0099%); highest among the groups gnomAD compares: Admixed American, 0.15%; 2 homozygotes.

Submissions (6):

Labcorp Genetics (formerly Invitae), Labcorp
Classification: Benign for Autosomal dominant childhood-onset proximal spinal muscular atrophy with contractures. Last evaluated: 2025-11-05. Review status: criteria provided, single submitter. Criteria: Invitae Variant Classification Sherloc (09022015). Collection method: clinical testing. Allele origin: germline.

Blueprint Genetics
Classification: Likely benign. Last evaluated: 2023-11-16. Review status: criteria provided, single submitter. Criteria: ACMG Guidelines, 2015. Collection method: clinical testing. Allele origin: germline.

GeneDx
Classification: Benign. Last evaluated: 2020-06-03. Review status: criteria provided, single submitter. Criteria: GeneDx Variant Classification Process June 2021. Collection method: clinical testing. Allele origin: germline. Affected: yes.

Ambry Genetics
Classification: Likely benign for Inborn genetic diseases. Last evaluated: 2020-05-14. Review status: criteria provided, single submitter. Criteria: Ambry Variant Classification Scheme 2023. Collection method: clinical testing. Allele origin: germline.

ARUP Laboratories, Molecular Genetics and Genomics, ARUP Laboratories
Classification: Likely benign. Last evaluated: 2020-04-04. Review status: criteria provided, single submitter. Criteria: ARUP Molecular Germline Variant Investigation Process. Collection method: clinical testing. Allele origin: germline.

PreventionGenetics, part of Exact Sciences
Classification: Benign for BICD2-related condition. Last evaluated: 2023-10-02. Review status: no assertion criteria provided. Collection method: clinical testing. Allele origin: germline. Not counted in ClinVar's aggregate classification.
Comment: This variant is classified as benign based on ACMG/AMP sequence variant interpretation guidelines (Richards et al. 2015 PMID: 25741868, with internal and published modifications).

NM_001003800.2(BICD2):c.2350A>G (p.Met784Val)

Gene: BICD2 (BICD cargo adaptor 2; minus strand). Cytogenetic location: 9q22.31.
Variant type: single nucleotide variant.
Coding change: c.2350A>G on transcript NM_001003800.2 (MANE Select); coding-DNA position 2350, A replaced by G.
Protein change: p.Met784Val; replaces methionine 784 with valine.
Molecular consequence: missense variant.
Genome position (GRCh38, 1-based): chr9:92,715,372, T>C on the plus strand (A>G on the coding strand, the complement: BICD2 is on the minus strand). VCF-style: chr9-92715372-T-C. GRCh37 (hg19) VCF-style: chr9-95477654-T-C.
Other names: c.2350A>G, p.Met784Val (NM_015250.4); short protein forms M784V.
Identifiers: ClinVar variation 541292 (VCV000541292.26), dbSNP rs149891938, ClinGen allele CA5126320.